The following is an entry in ClinVar:

ClinVar aggregate classification (germline): Uncertain significance. Review status: criteria provided, single submitter (1 of 4 stars). 2 submissions from 2 submitters: Uncertain significance (1). 1 of the submissions does not count toward it. Last evaluated 2025-08-04.

Allele frequency attached by ClinVar (database versions not stated): gnomAD exomes 0.00001 and 0.00003; gnomAD 0.00002; TOPMed 0.00002; ESP Exome Variant Server 0.00009.
gnomAD v4.1: 37 of 1,205,864 alleles (0.0031%); highest among the groups gnomAD compares: Non-Finnish European, 0.0038%; no homozygotes.

Submissions (2):

Ambry Genetics
Classification: Uncertain significance. Last evaluated: 2025-08-04. Review status: criteria provided, single submitter. Criteria: Ambry Variant Classification Scheme 2023. Collection method: clinical testing. Allele origin: germline.

Department of Pathology and Laboratory Medicine, Sinai Health System
Classification: Uncertain significance. Review status: no assertion criteria provided. Collection method: clinical testing. Allele origin: unknown. Affected: yes. Study: The Canadian Open Genetics Repository (COGR). Not counted in ClinVar's aggregate classification.
Comment: The SLC6A14 p.Met49Val variant was not identified in the literature nor was it identified in ClinVar, Cosmic, or LOVD 3.0. The variant was identified in dbSNP (ID: rs369863561) and in 1 of 182337 chromosomes at a frequency of 0.000005 (Genome Aggregation Database Feb 27, 2017). The variant was observed in the following population: European (non-Finnish) in 1 of 81642 chromosomes (freq:0.00001225); it was not observed in the African, Latino, Ashkenazi Jewish, East Asian, European (Finnish), Other, and South Asian populations. The p.Met49 residue is not conserved in mammals and computational analyses (PolyPhen-2, SIFT, AlignGVGD, BLOSUM, MutationTaster) provide inconsistent predictions regarding the impact to the protein; this information is not very predictive of pathogenicity. The p.Met49Val variant occurs outside of the splicing consensus sequence and in silico or computational prediction software programs (SpliceSiteFinder, MaxEntScan, NNSPLICE, GeneSplicer) do not predict a difference in splicing. In summary, based on the above information the clinical significance of this variant cannot be determined with certainty at this time. This variant is classified as a variant of uncertain significance.

NM_007231.5(SLC6A14):c.145A>G (p.Met49Val)

Gene: SLC6A14 (solute carrier family 6 member 14; plus strand). Cytogenetic location: Xq23.
Variant type: single nucleotide variant.
Coding change: c.145A>G on transcript NM_007231.5 (MANE Select); coding-DNA position 145, A replaced by G.
Protein change: p.Met49Val; replaces methionine 49 with valine.
Molecular consequence: missense variant.
Genome position (GRCh38, 1-based): chrX:116,437,886, A>G. VCF-style: chrX-116437886-A-G. GRCh37 (hg19) VCF-style: chrX-115569054-A-G.
Other names: c.145A>G (NM_007231.3); short protein forms M49V.
Identifiers: ClinVar variation 1050634 (VCV001050634.2), dbSNP rs369863561, ClinGen allele CA334740830.